The following is an entry in ClinVar:

ClinVar aggregate classification (germline): Uncertain significance. Review status: criteria provided, multiple submitters, no conflicts (2 of 4 stars). 4 submissions from 4 submitters: Uncertain significance (4). Last evaluated 2026-05-12.

Conditions:
Inborn genetic diseases. Identifiers: MedGen C0950123, MeSH D030342.
VPS13B-related disorder. Also called: VPS13B-related condition.
Cohen syndrome (COH1). Also called: Cutis verticis gyrata, retinitis pigmentosa, and sensorineural deafness; PEPPER SYNDROME. Identifiers: Orphanet 193, MedGen C0265223, MONDO:0008999, OMIM 216550.

Allele frequency attached by ClinVar (database versions not stated): 1000 Genomes Project 0.00020; ExAC 0.00002; gnomAD 0.00007; 1000 Genomes Project 30x 0.00016.
gnomAD v4.1: 62 of 1,613,126 alleles (0.0038%); highest among the groups gnomAD compares: African/African-American, 0.02%; no homozygotes.

Submissions (4):

PreventionGenetics, part of Exact Sciences
Classification: Uncertain significance for VPS13B-related condition. Last evaluated: 2026-05-12. Review status: criteria provided, single submitter. Criteria: ACMG Guidelines, 2015. Collection method: clinical testing. Allele origin: germline.
Comment: The VPS13B c.4550G>A variant is predicted to result in the amino acid substitution p.Arg1517His. To our knowledge, this variant has not been reported in the literature. This variant is reported in 0.013% of alleles in individuals of South Asian descent in gnomAD. At this time, the clinical significance of this variant is uncertain due to the absence of conclusive functional and genetic evidence.

Ambry Genetics
Classification: Uncertain significance for Inborn genetic diseases. Last evaluated: 2025-03-24. Review status: criteria provided, single submitter. Criteria: Ambry Variant Classification Scheme 2023. Collection method: clinical testing. Allele origin: germline.

Labcorp Genetics (formerly Invitae), Labcorp
Classification: Uncertain significance for Cohen syndrome. Last evaluated: 2025-01-14. Review status: criteria provided, single submitter. Criteria: Invitae Variant Classification Sherloc (09022015). Collection method: clinical testing. Allele origin: germline.
Comment: This sequence change replaces arginine, which is basic and polar, with histidine, which is basic and polar, at codon 1542 of the VPS13B protein (p.Arg1542His). This variant is present in population databases (rs531149269, gnomAD 0.01%). This variant has not been reported in the literature in individuals affected with VPS13B-related conditions. ClinVar contains an entry for this variant (Variation ID: 2041942). Invitae Evidence Modeling of protein sequence and biophysical properties (such as structural, functional, and spatial information, amino acid conservation, physicochemical variation, residue mobility, and thermodynamic stability) indicates that this missense variant is not expected to disrupt VPS13B protein function with a negative predictive value of 80%. In summary, the available evidence is currently insufficient to determine the role of this variant in disease. Therefore, it has been classified as a Variant of Uncertain Significance.

Blueprint Genetics
Classification: Uncertain significance. Last evaluated: 2024-09-09. Review status: criteria provided, single submitter. Criteria: ACMG Guidelines, 2015. Collection method: clinical testing. Allele origin: germline.

NM_152564.5(VPS13B):c.4550G>A (p.Arg1517His)

Gene: VPS13B (vacuolar protein sorting 13 homolog B; plus strand). Cytogenetic location: 8q22.2.
Variant type: single nucleotide variant.
Coding change: c.4550G>A on transcript NM_152564.5 (MANE Select); coding-DNA position 4550, G replaced by A.
Protein change: p.Arg1517His; replaces arginine 1517 with histidine.
Molecular consequence: missense variant.
Genome position (GRCh38, 1-based): chr8:99,511,429, G>A. VCF-style: chr8-99511429-G-A. GRCh37 (hg19) VCF-style: chr8-100523657-G-A.
Other names: c.4625G>A, p.Arg1542His (NM_017890.5); c.4625G>A (NM_017890.3); short protein forms R1517H, R1542H.
Identifiers: ClinVar variation 2041942 (VCV002041942.6), dbSNP rs531149269, ClinGen allele CA4823552.